The following is an entry in ClinVar:

ClinVar aggregate classification (germline): Uncertain significance. Review status: criteria provided, multiple submitters, no conflicts (2 of 4 stars). 3 submissions from 3 submitters: Uncertain significance (3). Last evaluated 2022-11-28.

Conditions:
Cardiovascular phenotype. Identifiers: MedGen CN230736.
Dilated cardiomyopathy 1DD (CMD1DD). Identifiers: Orphanet 154, MedGen C2750995, MONDO:0013168, OMIM 613172.

Submissions (3):

Labcorp Genetics (formerly Invitae), Labcorp
Classification: Uncertain significance for Dilated cardiomyopathy 1DD. Last evaluated: 2022-11-28. Review status: criteria provided, single submitter. Criteria: Invitae Variant Classification Sherloc (09022015). Collection method: clinical testing. Allele origin: germline.
Comment: This variant has not been reported in the literature in individuals affected with RBM20-related conditions. In summary, the available evidence is currently insufficient to determine the role of this variant in disease. Therefore, it has been classified as a Variant of Uncertain Significance. Advanced modeling of protein sequence and biophysical properties (such as structural, functional, and spatial information, amino acid conservation, physicochemical variation, residue mobility, and thermodynamic stability) performed at Invitae indicates that this missense variant is not expected to disrupt RBM20 protein function. ClinVar contains an entry for this variant (Variation ID: 1305602). This variant is not present in population databases (gnomAD no frequency). This sequence change replaces methionine, which is neutral and non-polar, with threonine, which is neutral and polar, at codon 184 of the RBM20 protein (p.Met184Thr).

GeneDx
Classification: Uncertain significance. Last evaluated: 2019-05-03. Review status: criteria provided, single submitter. Criteria: GeneDx Variant Classification Process June 2021. Collection method: clinical testing. Allele origin: germline. Affected: yes.
Comment: Has not been previously published as pathogenic or benign to our knowledge; Not observed in large population cohorts (Lek et al., 2016); In silico analysis, which includes protein predictors and evolutionary conservation, supports that this variant does not alter protein structure/function

Ambry Genetics
Classification: Uncertain significance for Cardiovascular phenotype. Last evaluated: 2018-01-23. Review status: criteria provided, single submitter. Criteria: Ambry Variant Classification Scheme 2023. Collection method: clinical testing. Allele origin: germline.
Comment: The p.M184T variant (also known as c.551T>C), located in coding exon 2 of the RBM20 gene, results from a T to C substitution at nucleotide position 551. The methionine at codon 184 is replaced by threonine, an amino acid with similar properties. This amino acid position is poorly conserved in available vertebrate species. In addition, this alteration is predicted to be tolerated by in silico analysis. Since supporting evidence is limited at this time, the clinical significance of this alteration remains unclear.

NM_001134363.3(RBM20):c.551T>C (p.Met184Thr)

Gene: RBM20 (RNA binding motif protein 20; plus strand). Cytogenetic location: 10q25.2.
Variant type: single nucleotide variant.
Coding change: c.551T>C on transcript NM_001134363.3 (MANE Select); coding-DNA position 551, T replaced by C.
Protein change: p.Met184Thr; replaces methionine 184 with threonine.
Molecular consequence: missense variant.
Genome position (GRCh38, 1-based): chr10:110,781,160, T>C. VCF-style: chr10-110781160-T-C. GRCh37 (hg19) VCF-style: chr10-112540918-T-C.
Other names: short protein forms M184T.
Identifiers: ClinVar variation 1305602 (VCV001305602.11), dbSNP rs2135042080, ClinGen allele CA378381127.